The following is an entry in ClinVar:

NM_182493.3(MYLK3):c.2212G>C (p.Gly738Arg)

Gene: MYLK3 (myosin light chain kinase 3; minus strand). Cytogenetic location: 16q11.2.
Variant type: single nucleotide variant.
Coding change: c.2212G>C on transcript NM_182493.3 (MANE Select); coding-DNA position 2212, G replaced by C.
Protein change: p.Gly738Arg; replaces glycine 738 with arginine.
Molecular consequence: missense variant.
Genome position (GRCh38, 1-based): chr16:46,710,692, C>G on the plus strand (G>C on the coding strand, the complement: MYLK3 is on the minus strand). VCF-style: chr16-46710692-C-G. GRCh37 (hg19) VCF-style: chr16-46744604-C-G.
Other names: c.1189G>C, p.Gly397Arg (NM_001308301.1); short protein forms G397R, G738R.
Identifiers: ClinVar variation 2718340 (VCV002718340.3), dbSNP rs1218744680, ClinGen allele CA395786559.
Genomic context (GRCh38, chr16:46,710,692, plus strand): 5'-GGTACCTCTTCTCTTTGACCAGCAACCGGGAAACAAAGTCCTTGGCCTCCTCCGAGAGCC[C>G]TTCAAAGGTGTCAGCATCAAAATCCCAGCTACAGTTTACAATGAAATTCATGGTCTCTGC-3'
Protein context (NP_872299.2, residues 728-748): SWDFDADTFE[Gly738Arg]LSEEAKDFVS

ClinVar aggregate classification (germline): Uncertain significance (1 of 4 stars; one submission).

Submission:

Labcorp Genetics (formerly Invitae), Labcorp
Classification: Uncertain significance. Last evaluated: 2023-06-17. Review status: criteria provided, single submitter. Criteria: Invitae Variant Classification Sherloc (09022015). Collection method: clinical testing. Allele origin: germline.
Comment: In summary, the available evidence is currently insufficient to determine the role of this variant in disease. Therefore, it has been classified as a Variant of Uncertain Significance. An algorithm developed to predict the effect of missense changes on protein structure and function (PolyPhen-2) suggests that this variant is likely to be disruptive. This variant has not been reported in the literature in individuals affected with MYLK3-related conditions. This variant is not present in population databases (gnomAD no frequency). This sequence change replaces glycine, which is neutral and non-polar, with arginine, which is basic and polar, at codon 738 of the MYLK3 protein (p.Gly738Arg).